The following is an entry in ClinVar:

ClinVar aggregate classification (germline): Benign/Likely benign. Review status: criteria provided, multiple submitters, no conflicts (2 of 4 stars). 4 submissions from 4 submitters: Benign (1); Likely benign (3). Last evaluated 2025-01-10.

Conditions:
Hereditary cancer-predisposing syndrome. Also called: Hereditary Cancer Syndrome; Hereditary neoplastic syndrome; Neoplastic Syndromes, Hereditary; Tumor predisposition. Identifiers: Orphanet 140162, MedGen C0027672, MeSH D009386, MONDO:0015356.
Familial cancer of breast. Also called: hereditary breast carcinoma; Hereditary breast cancer; BREAST CANCER, FAMILIAL. Identifiers: Orphanet 227535, MedGen C0346153, MONDO:0016419, OMIM 114480. Disease mechanism: loss of function.

Allele frequency attached by ClinVar (database versions not stated): gnomAD exomes below 0.00001 and 0.00001; gnomAD 0.00001; ExAC 0.00002; 1000 Genomes Project 0.00020; 1000 Genomes Project 30x 0.00031.
gnomAD v4.1: 3 of 1,613,724 alleles (0.00019%); highest among the groups gnomAD compares: South Asian, 0.0033%; no homozygotes.

Submissions (4):

Myriad Genetics, Inc.
Classification: Benign for Familial cancer of breast. Last evaluated: 2025-01-10. Review status: criteria provided, single submitter. Criteria: Myriad Autosomal Dominant, Autosomal Recessive and X-Linked Classification Criteria (2023). Collection method: clinical testing. Allele origin: unknown.
Comment: This variant is considered benign. This variant is a silent/synonymous amino acid change and it is not expected to impact splicing.

Labcorp Genetics (formerly Invitae), Labcorp
Classification: Likely benign for Familial cancer of breast. Last evaluated: 2022-11-06. Review status: criteria provided, single submitter. Criteria: Invitae Variant Classification Sherloc (09022015). Collection method: clinical testing. Allele origin: germline.

Ambry Genetics
Classification: Likely benign for Hereditary cancer-predisposing syndrome. Last evaluated: 2022-04-21. Review status: criteria provided, single submitter. Criteria: Ambry Variant Classification Scheme 2023. Collection method: clinical testing. Allele origin: germline.

GeneDx
Classification: Likely benign. Last evaluated: 2016-03-08. Review status: criteria provided, single submitter. Criteria: GeneDx Variant Classification (06012015). Collection method: clinical testing. Allele origin: germline. Affected: yes.
Comment: This variant is considered likely benign or benign based on one or more of the following criteria: it is a conservative change, it occurs at a poorly conserved position in the protein, it is predicted to be benign by multiple in silico algorithms, and/or has population frequency not consistent with disease.

NM_024675.4(PALB2):c.309G>A (p.Gly103=)

Gene: PALB2 (partner and localizer of BRCA2; minus strand). Cytogenetic location: 16p12.2.
Variant type: single nucleotide variant.
Coding change: c.309G>A on transcript NM_024675.4 (MANE Select); coding-DNA position 309, G replaced by A.
Protein change: p.Gly103=; no amino-acid change (glycine 103 retained).
Molecular consequence: synonymous variant.
Genome position (GRCh38, 1-based): chr16:23,636,237, C>T on the plus strand (G>A on the coding strand, the complement: PALB2 is on the minus strand). VCF-style: chr16-23636237-C-T. GRCh37 (hg19) VCF-style: chr16-23647558-C-T.
Identifiers: ClinVar variation 384593 (VCV000384593.14), dbSNP rs546015723, ClinGen allele CA7963802.